The following is an entry in ClinVar:

NM_001365276.2(TNXB):c.6729C>T (p.His2243=)

Gene: TNXB (tenascin XB; minus strand). Cytogenetic location: 6p21.33.
Variant type: single nucleotide variant.
Coding change: c.6729C>T on transcript NM_001365276.2 (MANE Select); coding-DNA position 6729, C replaced by T.
Protein change: p.His2243=; no amino-acid change (histidine 2243 retained).
Molecular consequence: synonymous variant.
Genome position (GRCh38, 1-based): chr6:32,064,933, G>A on the plus strand (C>T on the coding strand, the complement: TNXB is on the minus strand). VCF-style: chr6-32064933-G-A. GRCh37 (hg19) VCF-style: chr6-32032710-G-A.
Other names: p.His2243=; c.6729C>T, p.His2243= (NM_019105.8).
Identifiers: ClinVar variation 2565721 (VCV002565721.4), dbSNP rs746066179, ClinGen allele CA3734346.
Genomic context (GRCh38, chr6:32,064,933, plus strand): 5'-GTACAGGTTCATCTTGTACTTGTGGTCTGGCTCCAGGCCCGAGATGGTGACCCCATCCTC[G>A]TGTCCCGGCACCCGCACCGCCTTGGGCTGCCCGTCCCCATTCTTAAACTGGACCAAGAAA-3'
Protein context (NP_001352205.1, residues 2233-2253): GQPKAVRVPG[His2243=]EDGVTISGLE

ClinVar aggregate classification (germline): Likely benign. Review status: criteria provided, multiple submitters, no conflicts (2 of 4 stars). 3 submissions from 3 submitters: Likely benign (3). Last evaluated 2026-05-11.

Conditions:
Cardiovascular phenotype. Identifiers: MedGen CN230736.

Allele frequency attached by ClinVar (database versions not stated): ExAC 0.00002; gnomAD exomes 0.00001; TOPMed 0.00002.
gnomAD v4.1: 14 of 1,612,836 alleles (0.00087%); highest among the groups gnomAD compares: Admixed American, 0.0017%; no homozygotes.

Submissions (3):

Women's Health and Genetics/Laboratory Corporation of America, LabCorp
Classification: Likely benign. Last evaluated: 2026-05-11. Review status: criteria provided, single submitter. Criteria: LabCorp Variant Classification Summary - May 2015. Collection method: clinical testing. Allele origin: germline.

Mayo Clinic Laboratories, Mayo Clinic
Classification: Likely benign. Last evaluated: 2025-11-20. Review status: criteria provided, single submitter. Criteria: ACMG Guidelines, 2015. Collection method: clinical testing. Allele origin: germline. Observed: 1 variant allele.
Comment: BP4, BP7

Ambry Genetics
Classification: Likely benign for Cardiovascular phenotype. Last evaluated: 2023-04-05. Review status: criteria provided, single submitter. Criteria: Ambry Variant Classification Scheme 2023. Collection method: clinical testing. Allele origin: germline.